The following is an entry in ClinVar:

NM_000070.3(CAPN3):c.643T>C (p.Ser215Pro)

Gene: CAPN3 (calpain 3; plus strand). Cytogenetic location: 15q15.1.
Variant type: single nucleotide variant.
Coding change: c.643T>C on transcript NM_000070.3 (MANE Select); coding-DNA position 643, T replaced by C.
Protein change: p.Ser215Pro; replaces serine 215 with proline.
Molecular consequence: missense variant.
Genome position (GRCh38, 1-based): chr15:42,388,938, T>C. VCF-style: chr15-42388938-T-C. GRCh37 (hg19) VCF-style: chr15-42681136-T-C.
Other names: c.643T>C, p.Ser215Pro (NM_024344.2, NM_173087.2); short protein forms S215P.
Identifiers: ClinVar variation 996062 (VCV000996062.4), dbSNP rs2053478068, ClinGen allele CA391998060.

ClinVar aggregate classification (germline): Conflicting classifications of pathogenicity. Review status: criteria provided, conflicting classifications (1 of 4 stars). 3 submissions from 3 submitters: Likely pathogenic (1); Uncertain significance (2). Last evaluated 2026-03-26.

Conditions:
Autosomal recessive limb-girdle muscular dystrophy type 2A (LGMDR1). Also called: LEYDEN-MOEBIUS MUSCULAR DYSTROPHY; MUSCULAR DYSTROPHY, PELVOFEMORAL; Limb-girdle muscular dystrophy, type 2A; Calpainopathy; Muscular dystrophy, limb-girdle, type 2A, Amish. Identifiers: Orphanet 267, MedGen C1869123, MONDO:0009675, OMIM 253600. Disease mechanism: loss of function.

Submissions (3):

Myriad Genetics, Inc.
Classification: Uncertain significance for Autosomal recessive limb-girdle muscular dystrophy type 2A. Last evaluated: 2026-03-26. Review status: criteria provided, single submitter. Criteria: Myriad Autosomal Dominant, Autosomal Recessive and X-Linked Classification Criteria (2023). Collection method: clinical testing. Allele origin: unknown.
Comment: NM_000070.2(CAPN3):c.643T>C(S215P) is a missense variant classified as a variant of uncertain significance in the context of calpainopathy. S215P has been observed in cases with relevant disease (PMID: 9150160, 35731190). Relevant functional assessments of this variant are not available in the literature. S215P has not been observed in referenced population frequency databases. In summary, there is insufficient evidence to classify NM_000070.2(CAPN3):c.643T>C(S215P) as pathogenic or benign. Please note: this variant was assessed in the context of healthy population screening.

Women's Health and Genetics/Laboratory Corporation of America, LabCorp
Classification: Uncertain significance. Last evaluated: 2025-10-17. Review status: criteria provided, single submitter. Criteria: LabCorp Variant Classification Summary - May 2015. Collection method: clinical testing. Allele origin: germline.
Comment: Variant summary: CAPN3 c.643T>C (p.Ser215Pro) results in a non-conservative amino acid change in the encoded protein sequence. Algorithms developed to predict the effect of missense changes on protein structure and function all suggest that this variant is likely to be disruptive. The variant was absent in 251464 control chromosomes (gnomAD). c.643T>C has been observed in individuals affected with Limb-Girdle Muscular Dystrophy, Autosomal Recessive (Richard_1997, Mroczek_2022). These data indicate that the variant may be associated with disease. To our knowledge, no experimental evidence demonstrating an impact on protein function has been reported. The following publications have been ascertained in the context of this evaluation (PMID: 35731190, 9150160, 10330340). ClinVar contains an entry for this variant (Variation ID: 996062). Based on the evidence outlined above, the variant was classified as VUS-possibly pathogenic.

Medical Genetics and Mitochondrial Research group, Latvian Biomedical Research and Study center
Classification: Likely pathogenic for Autosomal recessive limb-girdle muscular dystrophy type 2A. Last evaluated: 2020-06-01. Review status: criteria provided, single submitter. Criteria: ACMG Guidelines, 2015. Collection method: case-control. Allele origin: germline. Affected: yes. Observed: 2 variant alleles.
Comment: Variant was found in a compound heterozygous state together with NM_000070.3:c.1746-20C>G variant in a trans position.

Literature cited by the submitters: PubMed 35731190 (cited by Myriad Genetics, Inc. and Women's Health and Genetics/Laboratory Corporation of America, LabCorp); PubMed 9150160 (cited by Myriad Genetics, Inc. and Women's Health and Genetics/Laboratory Corporation of America, LabCorp); PubMed 10330340 (cited by Women's Health and Genetics/Laboratory Corporation of America, LabCorp).